The following is an entry in ClinVar:

ClinVar aggregate classification (germline): Uncertain significance (1 of 4 stars; one submission).

Conditions:
Hypertrophic cardiomyopathy 14. Identifiers: MedGen C2750467, MONDO:0013197, OMIM 613251.

Submission:

Labcorp Genetics (formerly Invitae), Labcorp
Classification: Uncertain significance for Hypertrophic cardiomyopathy 14. Last evaluated: 2024-11-24. Review status: criteria provided, single submitter. Criteria: Invitae Variant Classification Sherloc (09022015). Collection method: clinical testing. Allele origin: germline.
Comment: This sequence change replaces glutamic acid, which is acidic and polar, with lysine, which is basic and polar, at codon 505 of the MYH6 protein (p.Glu505Lys). This variant is not present in population databases (gnomAD no frequency). This variant has not been reported in the literature in individuals affected with MYH6-related conditions. Invitae Evidence Modeling of protein sequence and biophysical properties (such as structural, functional, and spatial information, amino acid conservation, physicochemical variation, residue mobility, and thermodynamic stability) indicates that this missense variant is expected to disrupt MYH6 protein function with a positive predictive value of 80%. In summary, the available evidence is currently insufficient to determine the role of this variant in disease. Therefore, it has been classified as a Variant of Uncertain Significance.

NM_002471.4(MYH6):c.1513G>A (p.Glu505Lys)

Gene: MYH6 (myosin heavy chain 6; minus strand). Cytogenetic location: 14q11.2.
Variant type: single nucleotide variant.
Coding change: c.1513G>A on transcript NM_002471.4 (MANE Select); coding-DNA position 1513, G replaced by A.
Protein change: p.Glu505Lys; replaces glutamic acid 505 with lysine.
Molecular consequence: missense variant.
Genome position (GRCh38, 1-based): chr14:23,400,324, C>T on the plus strand (G>A on the coding strand, the complement: MYH6 is on the minus strand). VCF-style: chr14-23400324-C-T. GRCh37 (hg19) VCF-style: chr14-23869533-C-T.
Other names: short protein forms E505K.
Identifiers: ClinVar variation 3696229 (VCV003696229.2).